The following is an entry in ClinVar:

ClinVar aggregate classification (germline): Uncertain significance (1 of 4 stars; one submission).

Conditions:
Retinal dystrophy, optic nerve edema, splenomegaly, anhidrosis, and migraine headache syndrome. Also called: ALPK1-Related Autoinflammatory Disease; Splenomegaly, cytopenia, and vision loss; Optic nerve edema-splenomegaly syndrome; ROSAH syndrome. Identifiers: Orphanet 313800, MedGen C4749914, MONDO:0013999, OMIM 614979.

gnomAD v4.1: 2 of 1,611,898 alleles (0.00012%); highest among the groups gnomAD compares: Admixed American, 0.0017%; no homozygotes.

Submission:

Laboratorio de Genetica e Diagnostico Molecular, Hospital Israelita Albert Einstein
Classification: Uncertain significance for Retinal dystrophy, optic nerve edema, splenomegaly, anhidrosis, and migraine headache syndrome. Last evaluated: 2025-01-31. Review status: criteria provided, single submitter. Criteria: ACMG Guidelines, 2015. Collection method: clinical testing. Allele origin: germline. Affected: yes.
Comment: ACMG classification criteria: PM2 supporting

NM_025144.4(ALPK1):c.536G>A (p.Gly179Asp)

Gene: ALPK1 (alpha kinase 1; plus strand). Cytogenetic location: 4q25.
Variant type: single nucleotide variant.
Coding change: c.536G>A on transcript NM_025144.4 (MANE Select); coding-DNA position 536, G replaced by A.
Protein change: p.Gly179Asp; replaces glycine 179 with aspartic acid.
Molecular consequence: missense variant.
Genome position (GRCh38, 1-based): chr4:112,425,665, G>A. VCF-style: chr4-112425665-G-A. GRCh37 (hg19) VCF-style: chr4-113346821-G-A.
Other names: c.536G>A, p.Gly179Asp (NM_001102406.2); c.302G>A, p.Gly101Asp (NM_001253884.2); short protein forms G101D, G179D.
Identifiers: ClinVar variation 3901026 (VCV003901026.1).
Genomic context (GRCh38, chr4:112,425,665, plus strand): 5'-GTTTTAATTTGCAAGGCTATATCTCTGATAATTCAAGGGAATTTTCATCTTTTCTTTTAG[G>A]TACCTGGCTGTACAGAAATGAAAGTGACAAGGTCCTGGTGCAGTCGGTCTGTATACAGAT-3'
Protein context (NP_079420.3, residues 169-189): SSLISNNGAT[Gly179Asp]TWLYRNESDK